The following is an entry in ClinVar:

NM_001375808.2(LPIN2):c.1793+17C>T

Gene: LPIN2 (lipin 2; minus strand). Cytogenetic location: 18p11.31.
Variant type: single nucleotide variant.
Coding change: c.1793+17C>T on transcript NM_001375808.2 (MANE Select); 17 bases into the intron after coding-DNA position 1793, C replaced by T.
Molecular consequence: intron variant.
Genome position (GRCh38, 1-based): chr18:2,926,706, G>A on the plus strand (C>T on the coding strand, the complement: LPIN2 is on the minus strand). VCF-style: chr18-2926706-G-A. GRCh37 (hg19) VCF-style: chr18-2926704-G-A.
Other names: c.1793+17C>T (NM_014646.2, NM_001375809.1).
Identifiers: ClinVar variation 138131 (VCV000138131.20), dbSNP rs188429587, ClinGen allele CA291953.

ClinVar aggregate classification (germline): Benign/Likely benign. Review status: criteria provided, multiple submitters, no conflicts (2 of 4 stars). 4 submissions from 4 submitters: Benign (1); Likely benign (3). Last evaluated 2026-01-06.

Conditions:
Majeed syndrome (MJDS). Also called: LPIN2-Related Majeed Syndrome; CHRONIC RECURRENT MULTIFOCAL OSTEOMYELITIS 1, WITH CONGENITAL DYSERYTHROPOIETIC ANEMIA, WITH OR WITHOUT NEUTROPHILIC DERMATOSIS. Identifiers: Orphanet 77297, MedGen C1864997, MONDO:0012316, OMIM 609628.

Allele frequency attached by ClinVar (database versions not stated): ExAC 0.00009; gnomAD exomes 0.00011 and 0.00027; TOPMed 0.00014; 1000 Genomes Project 30x 0.00016; gnomAD 0.00016 and 0.00017; 1000 Genomes Project 0.00020; ESP Exome Variant Server 0.00031.
gnomAD v4.1: 411 of 1,609,880 alleles (0.026%); highest among the groups gnomAD compares: Non-Finnish European, 0.034%; no homozygotes.

Submissions (4):

Labcorp Genetics (formerly Invitae), Labcorp
Classification: Likely benign for Majeed syndrome. Last evaluated: 2026-01-06. Review status: criteria provided, single submitter. Criteria: Invitae Variant Classification Sherloc (09022015). Collection method: clinical testing. Allele origin: germline.

Blueprint Genetics
Classification: Likely benign. Last evaluated: 2024-09-06. Review status: criteria provided, single submitter. Criteria: ACMG Guidelines, 2015. Collection method: clinical testing. Allele origin: germline.

ARUP Laboratories, Molecular Genetics and Genomics, ARUP Laboratories
Classification: Likely benign for Majeed syndrome. Last evaluated: 2020-02-16. Review status: criteria provided, single submitter. Criteria: ARUP Molecular Germline Variant Investigation Process. Collection method: clinical testing. Allele origin: germline.

GeneDx
Classification: Benign. Last evaluated: 2011-06-27. Review status: criteria provided, single submitter. Criteria: GeneDx Variant Classification (06012015). Collection method: clinical testing. Allele origin: germline. Affected: yes.
Comment: This variant is considered likely benign or benign based on one or more of the following criteria: it is a conservative change, it occurs at a poorly conserved position in the protein, it is predicted to be benign by multiple in silico algorithms, and/or has population frequency not consistent with disease.